The following is an entry in ClinVar:

NM_130839.5(UBE3A):c.1583A>G (p.His528Arg)

Genes: SNHG14 (small nucleolar RNA host gene 14; plus strand), UBE3A (ubiquitin protein ligase E3A; minus strand). Cytogenetic location: 15q11.2.
Variant type: single nucleotide variant.
Coding change: c.1583A>G on transcript NM_130839.5 (MANE Select); coding-DNA position 1583, A replaced by G.
Protein change: p.His528Arg; replaces histidine 528 with arginine.
Molecular consequence: missense variant. On other transcripts: non-coding transcript variant (1), intron variant (2).
Genome position (GRCh38, 1-based): chr15:25,370,591, T>C on the plus strand (A>G on the coding strand, the complement: UBE3A is on the minus strand). VCF-style: chr15-25370591-T-C. GRCh37 (hg19) VCF-style: chr15-25615738-T-C.
Other names: c.1523A>G, p.His508Arg (NM_001354541.2, NM_001354542.2, NM_001354506.2 and 17 more transcripts); c.301+4874A>G (NM_001354551.2); c.361+4874A>G (NM_001354550.2); c.1592A>G, p.His531Arg (NM_000462.5); c.1583A>G, p.His528Arg (NM_001354505.1, NM_001354538.2, NM_001354545.2); c.1406A>G, p.His469Arg (NM_001354546.2); short protein forms H528R, H531R, H469R, H508R.
Identifiers: ClinVar variation 2057611 (VCV002057611.8), dbSNP rs2080172309, ClinGen allele CA391353259.
Genomic context (GRCh38, chr15:25,370,591, plus strand): 5'-CATTATTAGGTTTTTAATCTAGCAGCCCAACTTACCCGGACAAGTGCATCATCTATGATA[T>C]GGTCACGTCTAACTTTGAGTCTCAAATATGGATTCAACTGCTGTCCTTGAACTAAGCTGT-3'
Protein context (NP_570854.1, residues 518-538): PYLRLKVRRD[His528Arg]IIDDALVRLE

ClinVar aggregate classification (germline): Uncertain significance. Review status: criteria provided, multiple submitters, no conflicts (2 of 4 stars). 3 submissions from 3 submitters: Uncertain significance (3). Last evaluated 2025-11-11.

Conditions:
Angelman syndrome (AS). Also called: HAPPY PUPPET SYNDROME. Identifiers: Orphanet 72, MedGen C0162635, MONDO:0007113, OMIM 105830. Disease mechanism: loss of function. Inheritance: AS is caused by disruption of maternally imprinted UBE3A located within the 15q11.2-q13 Angelman syndrome/Prader-Willi syndrome (AS/PWS) region., imprinting disorder.
Inborn genetic diseases. Identifiers: MedGen C0950123, MeSH D030342.

Allele frequency attached by ClinVar (database versions not stated): TOPMed 0.00002.
gnomAD v4.1: 1 of 1,614,030 alleles (0.000062%); no homozygotes.

Submissions (3):

GeneDx
Classification: Uncertain significance. Last evaluated: 2025-11-11. Review status: criteria provided, single submitter. Criteria: GeneDx Variant Classification Process June 2021. Collection method: clinical testing. Allele origin: germline. Affected: yes.
Comment: Not observed at significant frequency in large population cohorts (gnomAD); In silico analysis supports that this missense variant has a deleterious effect on protein structure/function; Has not been previously published as pathogenic or benign to our knowledge

Ambry Genetics
Classification: Uncertain significance for Inborn genetic diseases. Last evaluated: 2025-03-18. Review status: criteria provided, single submitter. Criteria: Ambry Variant Classification Scheme 2023. Collection method: clinical testing. Allele origin: germline.

Labcorp Genetics (formerly Invitae), Labcorp
Classification: Uncertain significance for Angelman syndrome. Last evaluated: 2022-05-10. Review status: criteria provided, single submitter. Criteria: Invitae Variant Classification Sherloc (09022015). Collection method: clinical testing. Allele origin: germline.
Comment: This sequence change replaces histidine, which is basic and polar, with arginine, which is basic and polar, at codon 508 of the UBE3A protein (p.His508Arg). This variant is not present in population databases (gnomAD no frequency). In summary, the available evidence is currently insufficient to determine the role of this variant in disease. Therefore, it has been classified as a Variant of Uncertain Significance. Algorithms developed to predict the effect of missense changes on protein structure and function are either unavailable or do not agree on the potential impact of this missense change (SIFT: "Not Available"; PolyPhen-2: "Benign"; Align-GVGD: "Not Available"). This variant has not been reported in the literature in individuals affected with UBE3A-related conditions.